The following is an entry in ClinVar:

NM_030962.4(SBF2):c.3395G>A (p.Arg1132His)

Genes: SBF2 (SET binding factor 2; minus strand), LOC101928008 (uncharacterized LOC101928008; plus strand). Cytogenetic location: 11p15.4.
Variant type: single nucleotide variant.
Coding change: c.3395G>A on transcript NM_030962.4 (MANE Select); coding-DNA position 3395, G replaced by A.
Protein change: p.Arg1132His; replaces arginine 1132 with histidine.
Molecular consequence: missense variant.
Genome position (GRCh38, 1-based): chr11:9,839,558, C>T on the plus strand (G>A on the coding strand, the complement: SBF2 is on the minus strand). VCF-style: chr11-9839558-C-T. GRCh37 (hg19) VCF-style: chr11-9861105-C-T.
Other names: c.3395G>A, p.Arg1132His (NM_001386339.1); c.3266G>A, p.Arg1089His (NM_001386342.1); short protein forms R1089H, R1132H.
Identifiers: ClinVar variation 1730943 (VCV001730943.6), dbSNP rs775391548, ClinGen allele CA5881293.
Genomic context (GRCh38, chr11:9,839,558, plus strand): 5'-CTCCGGCAGAGTGAATACATCCTGTTGGAGGCAGTAATTCTAAAATACTCGGGTCTTGAA[C>T]GGGAAGAGCTGCCACTTATGGTTCCTAAACCTAAACGCTGATAGTCTCTGAAACAAGCTT-3'
Protein context (NP_112224.1, residues 1122-1142): GLGTISGSSS[Arg1132His]SRPEYFRITA

ClinVar aggregate classification (germline): Uncertain significance. Review status: criteria provided, multiple submitters, no conflicts (2 of 4 stars). 3 submissions from 3 submitters: Uncertain significance (3). Last evaluated 2026-04-01.

Conditions:
Inborn genetic diseases. Identifiers: MedGen C0950123, MeSH D030342.
Charcot-Marie-Tooth disease type 4. Also called: Charcot-Marie-Tooth, Type 4; Charcot-Marie-Tooth disease, type IV. Identifiers: Orphanet 64749, MedGen C4082197, MONDO:0018995.

Allele frequency attached by ClinVar (database versions not stated): gnomAD 0.00001; ExAC 0.00002; TOPMed 0.00002.
gnomAD v4.1: 15 of 1,614,014 alleles (0.00093%); highest among the groups gnomAD compares: African/African-American, 0.0027%; no homozygotes.

Submissions (3):

CeGaT Center for Human Genetics Tuebingen
Classification: Uncertain significance. Last evaluated: 2026-04-01. Review status: criteria provided, single submitter. Criteria: CeGaT Center For Human Genetics Tuebingen Variant Classification Criteria Version 2. Collection method: clinical testing. Allele origin: germline. Affected: yes. Observed: 1 variant allele.
Comment: SBF2: PM2

Labcorp Genetics (formerly Invitae), Labcorp
Classification: Uncertain significance for Charcot-Marie-Tooth disease type 4. Last evaluated: 2022-06-20. Review status: criteria provided, single submitter. Criteria: Invitae Variant Classification Sherloc (09022015). Collection method: clinical testing. Allele origin: germline.
Comment: This sequence change replaces arginine, which is basic and polar, with histidine, which is basic and polar, at codon 1132 of the SBF2 protein (p.Arg1132His). This variant is present in population databases (rs775391548, gnomAD 0.007%). This variant has not been reported in the literature in individuals affected with SBF2-related conditions. Algorithms developed to predict the effect of missense changes on protein structure and function are either unavailable or do not agree on the potential impact of this missense change (SIFT: "Deleterious"; PolyPhen-2: "Benign"; Align-GVGD: "Class C0"). In summary, the available evidence is currently insufficient to determine the role of this variant in disease. Therefore, it has been classified as a Variant of Uncertain Significance.

Ambry Genetics
Classification: Uncertain significance for Inborn genetic diseases. Last evaluated: 2021-12-16. Review status: criteria provided, single submitter. Criteria: Ambry Variant Classification Scheme 2023. Collection method: clinical testing. Allele origin: germline.
Comment: The p.R1132H variant (also known as c.3395G>A), located in coding exon 26 of the SBF2 gene, results from a G to A substitution at nucleotide position 3395. The arginine at codon 1132 is replaced by histidine, an amino acid with highly similar properties. This amino acid position is conserved. In addition, this alteration is predicted to be tolerated by in silico analysis. Since supporting evidence is limited at this time, the clinical significance of this alteration remains unclear.